The following is an entry in ClinVar:

NM_001277115.2(DNAH11):c.9480A>T (p.Arg3160=)

Gene: DNAH11 (dynein axonemal heavy chain 11; plus strand). Cytogenetic location: 7p15.3.
Variant type: single nucleotide variant.
Coding change: c.9480A>T on transcript NM_001277115.2 (MANE Select); coding-DNA position 9480, A replaced by T.
Protein change: p.Arg3160=; no amino-acid change (arginine 3160 retained).
Molecular consequence: synonymous variant.
Genome position (GRCh38, 1-based): chr7:21,779,101, A>T. VCF-style: chr7-21779101-A-T. GRCh37 (hg19) VCF-style: chr7-21818719-A-T.
Other names: c.9501A>T, p.Arg3167= (NM_003777.3).
Identifiers: ClinVar variation 1961733 (VCV001961733.30), dbSNP rs536754956, ClinGen allele CA4181978.

ClinVar aggregate classification (germline): Likely benign. Review status: criteria provided, multiple submitters, no conflicts (2 of 4 stars). 2 submissions from 2 submitters: Likely benign (2). Last evaluated 2024-01-13.

Conditions:
Primary ciliary dyskinesia. Also called: Ciliary dyskinesia. Identifiers: Orphanet 244, MedGen C0008780, MONDO:0016575, HP:0012265.

Allele frequency attached by ClinVar (database versions not stated): ExAC 0.00018.
gnomAD v4.1: 66 of 1,612,036 alleles (0.0041%); highest among the groups gnomAD compares: Middle Eastern, 0.017%; no homozygotes.

Submissions (3):

Labcorp Genetics (formerly Invitae), Labcorp
Classification: Likely benign for Primary ciliary dyskinesia. Last evaluated: 2024-01-13. Review status: criteria provided, single submitter. Criteria: Invitae Variant Classification Sherloc (09022015). Collection method: clinical testing. Allele origin: germline.

CeGaT Center for Human Genetics Tuebingen
Classification: Likely benign. Last evaluated: 2023-08-01. Review status: criteria provided, single submitter. Criteria: CeGaT Center For Human Genetics Tuebingen Variant Classification Criteria Version 2. Collection method: clinical testing. Allele origin: germline. Affected: yes. Observed: 1 variant allele.
Comment: DNAH11: BP4, BP7

Dr. Peter K. Rogan Lab, Western University
No classification provided (evidence only). Condition: Gastric cancer. Review status: no classification provided. Collection method: in vitro. Allele origin: not applicable. Functional consequence: retained intron. Not counted in ClinVar's aggregate classification.